The following is an entry in ClinVar:

ClinVar aggregate classification (germline): Benign/Likely benign. Review status: criteria provided, multiple submitters, no conflicts (2 of 4 stars). 7 submissions from 7 submitters: Benign (4); Likely benign (2). 1 of the submissions does not count toward it. Last evaluated 2026-02-03.

Conditions:
Premature ovarian failure 15. Identifiers: MedGen C4748170, MONDO:0054862, OMIM 618096.
Fanconi anemia (FA). Also called: Fanconi's anemia. Identifiers: Orphanet 84, MedGen C0015625, MeSH D005199, MONDO:0019391.
FANCM-related disorder. Also called: FANCM-related condition.

Allele frequency attached by ClinVar (database versions not stated): gnomAD exomes 0.00089 and 0.00219; ExAC 0.00263; gnomAD 0.00824 and 0.00864; TOPMed 0.00916; 1000 Genomes Project 30x 0.00921; ESP Exome Variant Server 0.00923; 1000 Genomes Project 0.00998.
gnomAD v4.1: 2,609 of 1,613,906 alleles (0.16%); highest among the groups gnomAD compares: African/African-American, 2.9%; 33 homozygotes.

Submissions (7):

Labcorp Genetics (formerly Invitae), Labcorp
Classification: Benign for Fanconi anemia. Last evaluated: 2026-02-03. Review status: criteria provided, single submitter. Criteria: Invitae Variant Classification Sherloc (09022015). Collection method: clinical testing. Allele origin: germline.

Quest Diagnostics Nichols Institute San Juan Capistrano
Classification: Benign. Last evaluated: 2025-07-16. Review status: criteria provided, single submitter. Criteria: Quest Diagnostics criteria. Collection method: clinical testing. Allele origin: unknown.

KCCC/NGS Laboratory, Kuwait Cancer Control Center
Classification: Benign for Premature ovarian failure 15. Last evaluated: 2023-07-07. Review status: criteria provided, single submitter. Criteria: ACMG Guidelines, 2015. Collection method: clinical testing. Allele origin: germline. Affected: yes.

GeneDx
Classification: Likely benign. Last evaluated: 2021-04-09. Review status: criteria provided, single submitter. Criteria: GeneDx Variant Classification Process June 2021. Collection method: clinical testing. Allele origin: germline. Affected: yes.

Genetic Services Laboratory, University of Chicago
Classification: Benign. Last evaluated: 2020-10-01. Review status: criteria provided, single submitter. Criteria: ACMG Guidelines, 2015. Collection method: clinical testing. Allele origin: germline. Affected: no.

Breakthrough Genomics
Classification: Likely benign. Review status: criteria provided, single submitter. Criteria: ACMG Guidelines, 2015. Collection method: not provided. Allele origin: germline. Inheritance: Autosomal recessive inheritance. Affected: yes.

PreventionGenetics, part of Exact Sciences
Classification: Benign for FANCM-related condition. Last evaluated: 2019-05-03. Review status: no assertion criteria provided. Collection method: clinical testing. Allele origin: germline. Not counted in ClinVar's aggregate classification.
Comment: This variant is classified as benign based on ACMG/AMP sequence variant interpretation guidelines (Richards et al. 2015 PMID: 25741868, with internal and published modifications).

Literature cited by the submitters: PubMed 28881617 (cited by Quest Diagnostics Nichols Institute San Juan Capistrano).

NM_020937.4(FANCM):c.5656C>T (p.His1886Tyr)

Gene: FANCM (FA complementation group M; plus strand). Cytogenetic location: 14q21.2.
Variant type: single nucleotide variant.
Coding change: c.5656C>T on transcript NM_020937.4 (MANE Select); coding-DNA position 5656, C replaced by T.
Protein change: p.His1886Tyr; replaces histidine 1886 with tyrosine.
Molecular consequence: missense variant.
Genome position (GRCh38, 1-based): chr14:45,196,487, C>T. VCF-style: chr14-45196487-C-T. GRCh37 (hg19) VCF-style: chr14-45665690-C-T.
Other names: c.5578C>T, p.His1860Tyr (NM_001308133.2); c.5656C>T (LRG_502t1); short protein forms H1886Y, H1860Y.
Identifiers: ClinVar variation 210991 (VCV000210991.25), dbSNP rs79343837, ClinGen allele CA205921.
Genomic context (GRCh38, chr14:45,196,487, plus strand): 5'-AGGTCTCAATCTGAGATGTTAAATAGTGTCAATAAGAACAAGTTCATTGAGCAGATCCAG[C>T]ACCTGCAGAGTATGTTTGAAAGAATATGTGTGATTGTGGAAAAGGACAGAGAAAAAACAG-3'
Protein context (NP_065988.1, residues 1876-1896): NKNKFIEQIQ[His1886Tyr]LQSMFERICV